The following is an entry in ClinVar:

NM_001365951.3(KIF1B):c.2720G>A (p.Arg907His)

Genes: KIF1B (kinesin family member 1B; plus strand), LOC126805614 (BRD4-independent group 4 enhancer GRCh37_chr1:10385546-10386745; plus strand). Cytogenetic location: 1p36.22.
Variant type: single nucleotide variant.
Coding change: c.2720G>A on transcript NM_001365951.3 (MANE Select); coding-DNA position 2720, G replaced by A.
Protein change: p.Arg907His; replaces arginine 907 with histidine.
Molecular consequence: missense variant.
Genome position (GRCh38, 1-based): chr1:10,326,155, G>A. VCF-style: chr1-10326155-G-A. GRCh37 (hg19) VCF-style: chr1-10386213-G-A.
Other names: c.2720G>A, p.Arg907His (NM_001365952.1); c.2582G>A, p.Arg861His (NM_015074.3); short protein forms R907H, R861H.
Identifiers: ClinVar variation 1441534 (VCV001441534.10), dbSNP rs1651714039, ClinGen allele CA338336910.
Genomic context (GRCh38, chr1:10,326,155, plus strand): 5'-CTTACCTGGTGTCTAGCTCCCCCATTTTCCACGGCTGTGTGAACGAGCGCCTTGCCGACC[G>A]CACACCCTCCCCCACTTTTTCCACGGCCGATTCCGACATCACTGAGCTGGCTGACGAGCA-3'
Protein context (NP_001352880.1, residues 897-917): HGCVNERLAD[Arg907His]TPSPTFSTAD

ClinVar aggregate classification (germline): Uncertain significance. Review status: criteria provided, multiple submitters, no conflicts (2 of 4 stars). 2 submissions from 2 submitters: Uncertain significance (2). Last evaluated 2023-09-01.

Conditions:
Charcot-Marie-Tooth disease type 2. Also called: Charcot-Marie-Tooth type 2. Identifiers: Orphanet 64746, MedGen C0270914, MONDO:0018993.

Allele frequency attached by ClinVar (database versions not stated): gnomAD exomes below 0.00001.
gnomAD v4.1: 2 of 1,614,044 alleles (0.00012%); highest among the groups gnomAD compares: Non-Finnish European, 0.000085%; no homozygotes.

Submissions (2):

Ambry Genetics
Classification: Uncertain significance. Last evaluated: 2023-09-01. Review status: criteria provided, single submitter. Criteria: Ambry Variant Classification Scheme 2023. Collection method: clinical testing. Allele origin: germline.
Comment: The p.R861H variant (also known as c.2582G>A), located in coding exon 24 of the KIF1B gene, results from a G to A substitution at nucleotide position 2582. The arginine at codon 861 is replaced by histidine, an amino acid with highly similar properties. This amino acid position is conserved. In addition, this alteration is predicted to be deleterious by in silico analysis. Since supporting evidence is limited at this time, the clinical significance of this alteration remains unclear.

Labcorp Genetics (formerly Invitae), Labcorp
Classification: Uncertain significance for Charcot-Marie-Tooth disease type 2. Last evaluated: 2022-10-13. Review status: criteria provided, single submitter. Criteria: Invitae Variant Classification Sherloc (09022015). Collection method: clinical testing. Allele origin: germline.
Comment: In summary, the available evidence is currently insufficient to determine the role of this variant in disease. Therefore, it has been classified as a Variant of Uncertain Significance. Algorithms developed to predict the effect of missense changes on protein structure and function are either unavailable or do not agree on the potential impact of this missense change (SIFT: "Tolerated"; PolyPhen-2: "Probably Damaging"; Align-GVGD: "Class C0"). ClinVar contains an entry for this variant (Variation ID: 1441534). This variant has not been reported in the literature in individuals affected with KIF1B-related conditions. This variant is not present in population databases (gnomAD no frequency). This sequence change replaces arginine, which is basic and polar, with histidine, which is basic and polar, at codon 861 of the KIF1B protein (p.Arg861His).